The following is an entry in ClinVar:

NM_139215.3(TAF15):c.1332C>T (p.Gly444=)

Gene: TAF15 (TATA-box binding protein associated factor 15; plus strand). Cytogenetic location: 17q12.
Variant type: single nucleotide variant.
Coding change: c.1332C>T on transcript NM_139215.3 (MANE Select); coding-DNA position 1332, C replaced by T.
Protein change: p.Gly444=; no amino-acid change (glycine 444 retained).
Molecular consequence: synonymous variant.
Genome position (GRCh38, 1-based): chr17:35,844,631, C>T. VCF-style: chr17-35844631-C-T. GRCh37 (hg19) VCF-style: chr17-34171635-C-T.
Other names: c.1323C>T, p.Gly441= (NM_003487.4).
Identifiers: ClinVar variation 1284017 (VCV001284017.5), dbSNP rs150034643, ClinGen allele CA290041289.
Genomic context (GRCh38, chr17:35,844,631, plus strand): 5'-GGGTGGCTATGGTGGAGACAGAAGCAGCGGTGGTGGCTACAGCGGAGATAGAAGTGGGGG[C>T]GGCTATGGTGGAGACAGAAGTGGGGGTGGCTATGGTGGGGACAGAGGCGGCGGCTATGGT-3'
Protein context (NP_631961.1, residues 434-454): GGGYSGDRSG[Gly444=]GYGGDRSGGG

ClinVar aggregate classification (germline): Benign/Likely benign. Review status: criteria provided, multiple submitters, no conflicts (2 of 4 stars). 4 submissions from 4 submitters: Benign (2); Likely benign (1). 1 of the submissions does not count toward it. Last evaluated 2026-07-01.

Conditions:
TAF15-related disorder. Also called: TAF15-related condition.

Allele frequency attached by ClinVar (database versions not stated): gnomAD exomes 0.00015 and 0.00039; 1000 Genomes Project 0.00060; ExAC 0.00062; ESP Exome Variant Server 0.00062; gnomAD 0.00066 and 0.00067.
gnomAD v4.1: 262 of 1,438,966 alleles (0.018%); highest among the groups gnomAD compares: African/African-American, 0.16%; 1 homozygote.

Submissions (4):

CeGaT Center for Human Genetics Tuebingen
Classification: Likely benign. Last evaluated: 2026-07-01. Review status: criteria provided, single submitter. Criteria: CeGaT Center For Human Genetics Tuebingen Variant Classification Criteria Version 2. Collection method: clinical testing. Allele origin: germline. Affected: yes. Observed: 1 variant allele.
Comment: TAF15: BP4, BP7

GeneDx
Classification: Benign. Last evaluated: 2019-12-06. Review status: criteria provided, single submitter. Criteria: GeneDx Variant Classification Process June 2021. Collection method: clinical testing. Allele origin: germline. Affected: yes.

Breakthrough Genomics
Classification: Benign. Review status: criteria provided, single submitter. Criteria: ACMG Guidelines, 2015. Collection method: not provided. Allele origin: germline. Inheritance: Unknown mechanism. Affected: yes.

PreventionGenetics, part of Exact Sciences
Classification: Likely benign for TAF15-related condition. Last evaluated: 2022-05-26. Review status: no assertion criteria provided. Collection method: clinical testing. Allele origin: germline. Not counted in ClinVar's aggregate classification.
Comment: This variant is classified as likely benign based on ACMG/AMP sequence variant interpretation guidelines (Richards et al. 2015 PMID: 25741868, with internal and published modifications).